The following is an entry in ClinVar:

NM_000439.5(PCSK1):c.772C>A (p.Pro258Thr)

Genes: CAST (calpastatin; plus strand), PCSK1 (proprotein convertase subtilisin/kexin type 1; minus strand), LOC101929710 (uncharacterized LOC101929710; plus strand). Cytogenetic location: 5q15.
Variant type: single nucleotide variant.
Coding change: c.772C>A on transcript NM_000439.5 (MANE Select); coding-DNA position 772, C replaced by A.
Protein change: p.Pro258Thr; replaces proline 258 with threonine.
Molecular consequence: missense variant.
Genome position (GRCh38, 1-based): chr5:96,412,428, G>T on the plus strand (C>A on the coding strand, the complement: PCSK1 is on the minus strand). VCF-style: chr5-96412428-G-T. GRCh37 (hg19) VCF-style: chr5-95748132-G-T.
Other names: c.772C>A (NM_000439.4); c.631C>A, p.Pro211Thr (NM_001177875.2); short protein forms P211T, P258T.
Identifiers: ClinVar variation 2203667 (VCV002203667.7), dbSNP rs560420109, ClinGen allele CA3350378.

ClinVar aggregate classification (germline): Conflicting classifications of pathogenicity. Review status: criteria provided, conflicting classifications (1 of 4 stars). 3 submissions from 3 submitters: Likely pathogenic (1); Uncertain significance (1). 1 of the submissions does not count toward it. Last evaluated 2022-01-28.

Conditions:
PCSK1-related disorder. Also called: PCSK1-related condition.
Obesity due to prohormone convertase I deficiency. Also called: OBESITY AND ENDOCRINOPATHY DUE TO IMPAIRED PROCESSING OF PROHORMONES. Identifiers: Orphanet 71528, MedGen C1833053, MONDO:0010961, OMIM 600955.

Allele frequency attached by ClinVar (database versions not stated): TOPMed below 0.00001; gnomAD 0.00003; gnomAD exomes 0.00003; ExAC 0.00010; 1000 Genomes Project 30x 0.00047; 1000 Genomes Project 0.00060.
gnomAD v4.1: 41 of 1,613,746 alleles (0.0025%); highest among the groups gnomAD compares: South Asian, 0.044%; 2 homozygotes.

Submissions (3):

Labcorp Genetics (formerly Invitae), Labcorp
Classification: Uncertain significance. Last evaluated: 2022-01-28. Review status: criteria provided, single submitter. Criteria: Invitae Variant Classification Sherloc (09022015). Collection method: clinical testing. Allele origin: germline.
Comment: In summary, the available evidence is currently insufficient to determine the role of this variant in disease. Therefore, it has been classified as a Variant of Uncertain Significance. Experimental studies have shown that this missense change affects PCSK1 function (PMID: 23562752, 26207343). Algorithms developed to predict the effect of missense changes on protein structure and function are either unavailable or do not agree on the potential impact of this missense change (SIFT: "Tolerated"; PolyPhen-2: "Possibly Damaging"; Align-GVGD: "Class C0"). This missense change has been observed in individual(s) with clinical features of PCSK1-related conditions (PMID: 23562752). This variant is present in population databases (rs560420109, gnomAD 0.06%). This sequence change replaces proline, which is neutral and non-polar, with threonine, which is neutral and polar, at codon 258 of the PCSK1 protein (p.Pro258Thr).

Neuberg Centre For Genomic Medicine, NCGM
Classification: Likely pathogenic for Obesity due to prohormone convertase I deficiency. Review status: criteria provided, single submitter. Criteria: ACMG Guidelines, 2015. Collection method: clinical testing. Allele origin: germline. Inheritance: Autosomal recessive inheritance. Affected: yes.
Comment: The observed missense c.772C>A(p.Pro258Thr) variant in PCSK1 gene has been reported in compound heterozygous state in individuals affected with PCSK1 related disorder (Martín MG, et. al., 2013). Experimental studies have shown that this missense change affects PCSK1 function (Martín MG, et. al., 2013; Blanco EH, et. al., 2015). This variant is present with an allele frequency of 0.006% in gnomAD Exomes database. This variant has been submitted to the ClinVar database as Uncertain significance. Multiple lines of computational evidence (Polyphen -Probably Damaging, SIFT - Damaging and MutationTaster -disease causing) predict damaging effect on protein structure and function for this variant. The reference amino acid in PCSK1 is predicted as conserved by GERP++ and PhyloP across 100 vertebrates. The amino acid Pro at position 258 is changed to a Thr changing protein sequence and it might alter its composition and physico-chemical properties. For these reasons, this variant has been classified as Uncertain Significance (VUS).

PreventionGenetics, part of Exact Sciences
Classification: Uncertain significance for PCSK1-related condition. Last evaluated: 2023-10-30. Review status: no assertion criteria provided. Collection method: clinical testing. Allele origin: germline. Not counted in ClinVar's aggregate classification.
Comment: The PCSK1 c.772C>A variant is predicted to result in the amino acid substitution p.Pro258Thr. This variant was reported in the homozygous state in an individual with proprotein convertase 1/3 deficiency in the presence of another uncertain homozygous variant, and in vitro functional analysis showed partial loss of enzymatic function (Martín et al 2013. PubMed ID: 23562752). This variant was also observed in a cohort of individuals with obesity, and in vitro functional studies showed inconclusive evidence of loss of function (Supplemental Data Set, Shah et al 2023. PubMed ID: 36864747). This variant is reported in 0.049% of alleles in individuals of South Asian descent in gnomAD. At this time, the clinical significance of this variant is uncertain due to the absence of conclusive functional and genetic evidence.

Literature cited by the submitters: PubMed 23562752 (cited by Labcorp Genetics (formerly Invitae), Labcorp); PubMed 26207343 (cited by Labcorp Genetics (formerly Invitae), Labcorp).